The following is an entry in ClinVar:

NM_006612.6(KIF1C):c.1937+14A>C

Genes: KIF1C (kinesin family member 1C; plus strand), LOC126862473 (CDK7 strongly-dependent group 2 enhancer GRCh37_chr17:4923264-4924463; plus strand). Cytogenetic location: 17p13.2.
Variant type: single nucleotide variant.
Coding change: c.1937+14A>C on transcript NM_006612.6 (MANE Select); 14 bases into the intron after coding-DNA position 1937, A replaced by C.
Molecular consequence: intron variant.
Genome position (GRCh38, 1-based): chr17:5,020,692, A>C. VCF-style: chr17-5020692-A-C. GRCh37 (hg19) VCF-style: chr17-4923987-A-C.
Identifiers: ClinVar variation 512495 (VCV000512495.12), dbSNP rs188650236, ClinGen allele CA8319148.
Genomic context (GRCh38, chr17:5,020,692, plus strand): 5'-CTGCTGGAGCAGCAAGGCATCGACATAAAGCTGGAAATGGAGAAGAGGTGCGAGGGGGTT[A>C]CCCACGTGCCCCATGGCCGTCTAGGCCGTCCCTCCCGGGCCTCTGGGCCCGTGTCCTCCT-3'

ClinVar aggregate classification (germline): Benign/Likely benign. Review status: criteria provided, multiple submitters, no conflicts (2 of 4 stars). 3 submissions from 3 submitters: Benign (1); Likely benign (2). Last evaluated 2026-01-22.

Conditions:
Spastic ataxia 2. Also called: Ataxia, spastic, 2, autosomal recessive. Identifiers: Orphanet 397946, MedGen C1969796, MONDO:0012651, OMIM 611302.

Allele frequency attached by ClinVar (database versions not stated): gnomAD exomes 0.00025 and 0.00064; ExAC 0.00069; ESP Exome Variant Server 0.00254; gnomAD 0.00274 and 0.00288; 1000 Genomes Project 0.00280; TOPMed 0.00330; 1000 Genomes Project 30x 0.00422.
gnomAD v4.1: 803 of 1,612,452 alleles (0.05%); highest among the groups gnomAD compares: African/African-American, 0.85%; 4 homozygotes.

Submissions (3):

Labcorp Genetics (formerly Invitae), Labcorp
Classification: Benign for Spastic ataxia 2. Last evaluated: 2026-01-22. Review status: criteria provided, single submitter. Criteria: Invitae Variant Classification Sherloc (09022015). Collection method: clinical testing. Allele origin: germline.

Blueprint Genetics
Classification: Likely benign. Last evaluated: 2024-10-22. Review status: criteria provided, single submitter. Criteria: ACMG Guidelines, 2015. Collection method: clinical testing. Allele origin: germline.

GeneDx
Classification: Likely benign. Last evaluated: 2017-10-03. Review status: criteria provided, single submitter. Criteria: GeneDx Variant Classification (06012015). Collection method: clinical testing. Allele origin: germline. Affected: yes.
Comment: This variant is considered likely benign or benign based on one or more of the following criteria: it is a conservative change, it occurs at a poorly conserved position in the protein, it is predicted to be benign by multiple in silico algorithms, and/or has population frequency not consistent with disease.